The following is an entry in ClinVar:

NM_002907.4(RECQL):c.1594G>A (p.Val532Ile)

Gene: RECQL (RecQ like helicase; minus strand). Cytogenetic location: 12p12.1.
Variant type: single nucleotide variant.
Coding change: c.1594G>A on transcript NM_002907.4 (MANE Select); coding-DNA position 1594, G replaced by A.
Protein change: p.Val532Ile; replaces valine 532 with isoleucine.
Molecular consequence: missense variant.
Genome position (GRCh38, 1-based): chr12:21,471,501, C>T on the plus strand (G>A on the coding strand, the complement: RECQL is on the minus strand). VCF-style: chr12-21471501-C-T. GRCh37 (hg19) VCF-style: chr12-21624435-C-T.
Other names: c.1594G>A, p.Val532Ile (NM_032941.3); short protein forms V532I.
Identifiers: ClinVar variation 1525126 (VCV001525126.8), dbSNP rs775756153, ClinGen allele CA6478714.

ClinVar aggregate classification (germline): Uncertain significance (1 of 4 stars; one submission).

Allele frequency attached by ClinVar (database versions not stated): gnomAD exomes 0.00001; ExAC 0.00002.
gnomAD v4.1: 4 of 1,613,078 alleles (0.00025%); highest among the groups gnomAD compares: South Asian, 0.0044%; no homozygotes.

Submission:

Labcorp Genetics (formerly Invitae), Labcorp
Classification: Uncertain significance. Last evaluated: 2025-11-03. Review status: criteria provided, single submitter. Criteria: Invitae Variant Classification Sherloc (09022015). Collection method: clinical testing. Allele origin: germline.
Comment: This sequence change replaces valine, which is neutral and non-polar, with isoleucine, which is neutral and non-polar, at codon 532 of the RECQL protein (p.Val532Ile). This variant is present in population databases (rs775756153, gnomAD 0.01%). This variant has not been reported in the literature in individuals affected with RECQL-related conditions. ClinVar contains an entry for this variant (Variation ID: 1525126). Invitae Evidence Modeling of protein sequence and biophysical properties (such as structural, functional, and spatial information, amino acid conservation, physicochemical variation, residue mobility, and thermodynamic stability) indicates that this missense variant is not expected to disrupt RECQL protein function with a negative predictive value of 80%. Algorithms developed to predict the effect of sequence changes on RNA splicing suggest that this variant may create or strengthen a splice site. In summary, the available evidence is currently insufficient to determine the role of this variant in disease. Therefore, it has been classified as a Variant of Uncertain Significance.